The following is an entry in ClinVar:

ClinVar aggregate classification (germline): Uncertain significance (1 of 4 stars; one submission).

Conditions:
Baraitser-Winter syndrome 1 (BRWS1). Also called: PACHYGYRIA, MENTAL RETARDATION, EPILEPSY, AND CHARACTERISTIC FACIES; MENTAL RETARDATION WITH EPILEPSY AND CHARACTERISTIC FACIES; BARAITSER-WINTER SYNDROME 1, ATYPICAL; Cerebrofrontofacial syndrome. Identifiers: Orphanet 2649, Orphanet 2995, MedGen C1855722, MONDO:0009470, OMIM 243310.

Submission:

Labcorp Genetics (formerly Invitae), Labcorp
Classification: Uncertain significance for Baraitser-Winter syndrome 1. Last evaluated: 2025-12-19. Review status: criteria provided, single submitter. Criteria: Invitae Variant Classification Sherloc (09022015). Collection method: clinical testing. Allele origin: germline.
Comment: This sequence change replaces tyrosine, which is neutral and polar, with histidine, which is basic and polar, at codon 69 of the ACTB protein (p.Tyr69His). This variant is not present in population databases (gnomAD no frequency). This variant has not been reported in the literature in individuals affected with ACTB-related conditions. Invitae Evidence Modeling of protein sequence and biophysical properties (such as structural, functional, and spatial information, amino acid conservation, physicochemical variation, residue mobility, and thermodynamic stability) indicates that this missense variant is not expected to disrupt ACTB protein function with a negative predictive value of 80%. In summary, the available evidence is currently insufficient to determine the role of this variant in disease. Therefore, it has been classified as a Variant of Uncertain Significance.

NM_001101.5(ACTB):c.205T>C (p.Tyr69His)

Gene: ACTB (actin beta; minus strand). Cytogenetic location: 7p22.1.
Variant type: single nucleotide variant.
Coding change: c.205T>C on transcript NM_001101.5 (MANE Select); coding-DNA position 205, T replaced by C.
Protein change: p.Tyr69His; replaces tyrosine 69 with histidine.
Molecular consequence: missense variant.
Genome position (GRCh38, 1-based): chr7:5,529,319, A>G on the plus strand (T>C on the coding strand, the complement: ACTB is on the minus strand). VCF-style: chr7-5529319-A-G. GRCh37 (hg19) VCF-style: chr7-5568950-A-G.
Other names: short protein forms Y69H.
Identifiers: ClinVar variation 4745453 (VCV004745453.1).